The following is an entry in ClinVar:

ClinVar aggregate classification (germline): Uncertain significance. Review status: criteria provided, multiple submitters, no conflicts (2 of 4 stars). 2 submissions from 2 submitters: Uncertain significance (2). Last evaluated 2021-10-06.

Allele frequency attached by ClinVar (database versions not stated): gnomAD 0.00001; gnomAD exomes 0.00001; TOPMed 0.00001.
gnomAD v4.1: 21 of 1,613,906 alleles (0.0013%); highest among the groups gnomAD compares: Non-Finnish European, 0.0018%; no homozygotes.

Submissions (2):

Labcorp Genetics (formerly Invitae), Labcorp
Classification: Uncertain significance. Last evaluated: 2021-10-06. Review status: criteria provided, single submitter. Criteria: Invitae Variant Classification Sherloc (09022015). Collection method: clinical testing. Allele origin: germline.
Comment: This sequence change replaces asparagine with aspartic acid at codon 192 of the CACNA2D4 protein (p.Asn192Asp). The asparagine residue is highly conserved and there is a small physicochemical difference between asparagine and aspartic acid. This variant is not present in population databases (ExAC no frequency). This variant has not been reported in the literature in individuals affected with CACNA2D4-related conditions. Algorithms developed to predict the effect of missense changes on protein structure and function output the following: SIFT: "Tolerated"; PolyPhen-2: "Benign"; Align-GVGD: "Class C0". The aspartic acid amino acid residue is found in multiple mammalian species, which suggests that this missense change does not adversely affect protein function. In summary, the available evidence is currently insufficient to determine the role of this variant in disease. Therefore, it has been classified as a Variant of Uncertain Significance.

Blueprint Genetics
Classification: Uncertain significance. Last evaluated: 2019-08-21. Review status: criteria provided, single submitter. Criteria: ACMG Guidelines, 2015. Collection method: clinical testing. Allele origin: germline.

NM_172364.5(CACNA2D4):c.574A>G (p.Asn192Asp)

Gene: CACNA2D4 (calcium voltage-gated channel auxiliary subunit alpha2delta 4; minus strand). Cytogenetic location: 12p13.33.
Variant type: single nucleotide variant.
Coding change: c.574A>G on transcript NM_172364.5 (MANE Select); coding-DNA position 574, A replaced by G.
Protein change: p.Asn192Asp; replaces asparagine 192 with aspartic acid.
Molecular consequence: missense variant.
Genome position (GRCh38, 1-based): chr12:1,907,950, T>C on the plus strand (A>G on the coding strand, the complement: CACNA2D4 is on the minus strand). VCF-style: chr12-1907950-T-C. GRCh37 (hg19) VCF-style: chr12-2017116-T-C.
Other names: short protein forms N192D.
Identifiers: ClinVar variation 849341 (VCV000849341.8), dbSNP rs1238886547, ClinGen allele CA383364354.